The following is an entry in ClinVar:

ClinVar aggregate classification (germline): Uncertain significance (1 of 4 stars; one submission).

Conditions:
3-methylcrotonyl-CoA carboxylase 1 deficiency (MCC1D). Also called: MCCD TYPE 1; METHYLCROTONYLGLYCINURIA TYPE I; MCC 1 deficiency; 3 Alpha methylcrotonylglycinuria 1. Identifiers: Orphanet 6, MedGen CN028786, MONDO:0008861, OMIM 210200.

Allele frequency attached by ClinVar (database versions not stated): gnomAD exomes 0.00001.
gnomAD v4.1: 10 of 1,614,100 alleles (0.00062%); highest among the groups gnomAD compares: Non-Finnish European, 0.00085%; no homozygotes.

Submission:

Labcorp Genetics (formerly Invitae), Labcorp
Classification: Uncertain significance for 3-methylcrotonyl-CoA carboxylase 1 deficiency. Last evaluated: 2023-09-25. Review status: criteria provided, single submitter. Criteria: Invitae Variant Classification Sherloc (09022015). Collection method: clinical testing. Allele origin: germline.
Comment: This sequence change replaces alanine, which is neutral and non-polar, with proline, which is neutral and non-polar, at codon 310 of the MCCC1 protein (p.Ala310Pro). This variant is not present in population databases (gnomAD no frequency). In summary, the available evidence is currently insufficient to determine the role of this variant in disease. Therefore, it has been classified as a Variant of Uncertain Significance. Advanced modeling of protein sequence and biophysical properties (such as structural, functional, and spatial information, amino acid conservation, physicochemical variation, residue mobility, and thermodynamic stability) performed at Invitae indicates that this missense variant is expected to disrupt MCCC1 protein function. ClinVar contains an entry for this variant (Variation ID: 2200423). This variant has not been reported in the literature in individuals affected with MCCC1-related conditions.

NM_020166.5(MCCC1):c.928G>C (p.Ala310Pro)

Gene: MCCC1 (methylcrotonyl-CoA carboxylase subunit 1; minus strand). Cytogenetic location: 3q27.1.
Variant type: single nucleotide variant.
Coding change: c.928G>C on transcript NM_020166.5 (MANE Select); coding-DNA position 928, G replaced by C.
Protein change: p.Ala310Pro; replaces alanine 310 with proline.
Molecular consequence: missense variant. On other transcripts: non-coding transcript variant (2).
Genome position (GRCh38, 1-based): chr3:183,052,186, C>G on the plus strand (G>C on the coding strand, the complement: MCCC1 is on the minus strand). VCF-style: chr3-183052186-C-G. GRCh37 (hg19) VCF-style: chr3-182769974-C-G.
Other names: c.577G>C, p.Ala193Pro (NM_001293273.2); c.601G>C, p.Ala201Pro (NM_001363880.1); short protein forms A193P, A201P, A310P.
Identifiers: ClinVar variation 2200423 (VCV002200423.3), dbSNP rs2530236694, ClinGen allele CA355326564.